The following is an entry in ClinVar:

NM_001363711.2(DUOX2):c.1100T>C (p.Leu367Pro)

Gene: DUOX2 (dual oxidase 2; minus strand). Cytogenetic location: 15q21.1.
Variant type: single nucleotide variant.
Coding change: c.1100T>C on transcript NM_001363711.2 (MANE Select); coding-DNA position 1100, T replaced by C.
Protein change: p.Leu367Pro; replaces leucine 367 with proline.
Molecular consequence: missense variant.
Genome position (GRCh38, 1-based): chr15:45,109,921, A>G on the plus strand (T>C on the coding strand, the complement: DUOX2 is on the minus strand). VCF-style: chr15-45109921-A-G. GRCh37 (hg19) VCF-style: chr15-45402119-A-G.
Other names: c.1100T>C, p.Leu367Pro (NM_014080.5); short protein forms L367P.
Identifiers: ClinVar variation 3383378 (VCV003383378.2).

ClinVar aggregate classification (germline): Uncertain significance (1 of 4 stars; one submission).

Conditions:
Thyroid dyshormonogenesis 6 (TDH6). Also called: THYROID HORMONOGENESIS, GENETIC DEFECT IN, 6; Genetic transient congenital hypothyroidism; HYPOTHYROIDISM, CONGENITAL, DUE TO DYSHORMONOGENESIS, 6. Identifiers: Orphanet 226316, Orphanet 95716, MedGen C1846632, MONDO:0011792, OMIM 607200.

Submission:

Kasturba Medical College, Manipal, Kasturba Medical College, Manipal, Manipal Academy of Higher Education, Manipal, India
Classification: Uncertain significance for Thyroid dyshormonogenesis 6. Review status: criteria provided, single submitter. Criteria: ACMG Guidelines, 2015. Collection method: clinical testing. Allele origin: paternal. Inheritance: Autosomal recessive inheritance. Affected: yes. Observed: 1 compound heterozygote.
Comment: This variant is not observed in gnomAD (v4.1.0) population database and our in-house database of 3356 individuals. In silico prediction tools (MutationTaster and CADD phred) predict the variant to be damaging to DUOX2 protein function.